The following is an entry in ClinVar:

ClinVar aggregate classification (germline): Likely pathogenic (1 of 4 stars; one submission).

Conditions:
Multiple congenital anomalies-hypotonia-seizures syndrome 1 (MCAHS1). Also called: PIGN-CDG; Congenital disorder of glycosylation due to PIGN deficiency; GLYCOSYLPHOSPHATIDYLINOSITOL BIOSYNTHESIS DEFECT 3. Identifiers: Orphanet 280633, MedGen C3279775, MONDO:0013563, OMIM 614080.

Allele frequency attached by ClinVar (database versions not stated): TOPMed below 0.00001.

Submission:

Labcorp Genetics (formerly Invitae), Labcorp
Classification: Likely pathogenic for Multiple congenital anomalies-hypotonia-seizures syndrome 1. Last evaluated: 2020-12-06. Review status: criteria provided, single submitter. Criteria: Invitae Variant Classification Sherloc (09022015). Collection method: clinical testing. Allele origin: germline.
Comment: In summary, the currently available evidence indicates that the variant is pathogenic, but additional data are needed to prove that conclusively. Therefore, this variant has been classified as Likely Pathogenic. Donor and acceptor splice site variants typically lead to a loss of protein function (PMID: 16199547), and loss-of-function variants in PIGN are known to be pathogenic (PMID: 24253414, 27038415). Algorithms developed to predict the effect of sequence changes on RNA splicing suggest that this variant may disrupt the consensus splice site, but this prediction has not been confirmed by published transcriptional studies. This variant has not been reported in the literature in individuals with PIGN-related conditions. This variant is not present in population databases (ExAC no frequency). This sequence change affects an acceptor splice site in intron 10 of the PIGN gene. It is expected to disrupt RNA splicing and likely results in an absent or disrupted protein product.

Literature cited by the submitters: PubMed 16199547; PubMed 24253414; PubMed 27038415.

NM_176787.5(PIGN):c.923-1G>A

Gene: PIGN (phosphatidylinositol glycan anchor biosynthesis class N; minus strand). Cytogenetic location: 18q21.33.
Variant type: single nucleotide variant.
Coding change: c.923-1G>A on transcript NM_176787.5 (MANE Select); the canonical splice acceptor site of the intron before coding-DNA position 923, G replaced by A.
Molecular consequence: splice acceptor variant.
Genome position (GRCh38, 1-based): chr18:62,143,347, C>T on the plus strand (G>A on the coding strand, the complement: PIGN is on the minus strand). VCF-style: chr18-62143347-C-T. GRCh37 (hg19) VCF-style: chr18-59810580-C-T.
Other names: c.923-1G>A (NM_012327.6).
Identifiers: ClinVar variation 1068150 (VCV001068150.9), dbSNP rs1000602230, ClinGen allele CA301682979.
Genomic context (GRCh38, chr18:62,143,347, plus strand): 5'-ATAAAATCGAACTGGATACCTGATTGACATCTAGCCTCTTCCAATTCTCCAATCTCCACT[C>T]TGAAAGATACAATCAGACACAAGATCTGATGTTAAGATTTAAAAAAGAATAAATCATTTG-3'